The following is an entry in ClinVar:

NM_000540.3(RYR1):c.3104G>A (p.Arg1035Gln)

Gene: RYR1 (ryanodine receptor 1; plus strand). Cytogenetic location: 19q13.2.
Variant type: single nucleotide variant.
Coding change: c.3104G>A on transcript NM_000540.3 (MANE Select); coding-DNA position 3104, G replaced by A.
Protein change: p.Arg1035Gln; replaces arginine 1035 with glutamine.
Molecular consequence: missense variant.
Genome position (GRCh38, 1-based): chr19:38,466,324, G>A. VCF-style: chr19-38466324-G-A. GRCh37 (hg19) VCF-style: chr19-38956964-G-A.
Other names: c.3104G>A, p.Arg1035Gln (NM_001042723.2); short protein forms R1035Q.
Identifiers: ClinVar variation 3070198 (VCV003070198.7), dbSNP rs776414978, ClinGen allele CA064425.
Genomic context (GRCh38, chr19:38,466,324, plus strand): 5'-GCCGAAACCCTCGGCTGGTGCCCTACCGCCTGCTGGATGAAGCCACCAAGCGCAGCAACC[G>A]GGACAGCCTCTGCCAGGCCGTGCGCACCCTCCTGGGCTACGGCTACAACATCGAGCCTCC-3'
Protein context (NP_000531.2, residues 1025-1045): LLDEATKRSN[Arg1035Gln]DSLCQAVRTL

ClinVar aggregate classification (germline): Uncertain significance. Review status: criteria provided, multiple submitters, no conflicts (2 of 4 stars). 5 submissions from 5 submitters: Uncertain significance (5). Last evaluated 2026-07-02.

Conditions:
Malignant hyperthermia, susceptibility to, 1 (MHS1). Also called: Anesthesia related hyperthermia; Malignant hyperpyrexia; Fulminating hyperpyrexia; Pharmacogenic myopathy; RYR1-Related Malignant Hyperthermia Susceptibility; Malignant hyperthermia suceptibility 1. Identifiers: Orphanet 423, MedGen C2930980, MONDO:0007783, OMIM 145600.
Inborn genetic diseases. Identifiers: MedGen C0950123, MeSH D030342.
RYR1-related disorder. Also called: RYR1-related condition; RYR1-related disorders. Identifiers: MedGen CN239331.

Allele frequency attached by ClinVar (database versions not stated): gnomAD exomes 0.00002; gnomAD 0.00004; ExAC 0.00001; TOPMed 0.00004.
gnomAD v4.1: 37 of 1,606,240 alleles (0.0023%); highest among the groups gnomAD compares: Admixed American, 0.024%; no homozygotes.

Submissions (5):

Ambry Genetics
Classification: Uncertain significance for Inborn genetic diseases. Last evaluated: 2026-07-02. Review status: criteria provided, single submitter. Criteria: Ambry Variant Classification Scheme 2023. Collection method: clinical testing. Allele origin: germline.
Comment: The p.R1035Q variant (also known as c.3104G>A), located in coding exon 24 of the RYR1 gene, results from a G to A substitution at nucleotide position 3104. The arginine at codon 1035 is replaced by glutamine, an amino acid with highly similar properties. This amino acid position is conserved. In addition, the in silico prediction for this alteration is inconclusive. Based on the available evidence, the clinical significance of this variant remains unclear.

Labcorp Genetics (formerly Invitae), Labcorp
Classification: Uncertain significance for RYR1-related disorder. Last evaluated: 2025-12-06. Review status: criteria provided, single submitter. Criteria: Invitae Variant Classification Sherloc (09022015). Collection method: clinical testing. Allele origin: germline.
Comment: This sequence change replaces arginine, which is basic and polar, with glutamine, which is neutral and polar, at codon 1035 of the RYR1 protein (p.Arg1035Gln). This variant is present in population databases (rs776414978, gnomAD 0.03%). This variant has not been reported in the literature in individuals affected with RYR1-related conditions. ClinVar contains an entry for this variant (Variation ID: 3070198). Invitae Evidence Modeling of protein sequence and biophysical properties (such as structural, functional, and spatial information, amino acid conservation, physicochemical variation, residue mobility, and thermodynamic stability) indicates that this missense variant is not expected to disrupt RYR1 protein function with a negative predictive value of 80%. In summary, the available evidence is currently insufficient to determine the role of this variant in disease. Therefore, it has been classified as a Variant of Uncertain Significance.

Color Diagnostics, LLC DBA Color Health
Classification: Uncertain significance for Malignant hyperthermia, susceptibility to, 1. Last evaluated: 2025-06-04. Review status: criteria provided, single submitter. Criteria: ACMG Guidelines, 2015. Collection method: clinical testing. Allele origin: germline.
Comment: This missense variant replaces arginine with glutamine at codon 1035 of the RYR1 protein. To our knowledge, functional studies have not been reported for this variant. This variant has not been reported in individuals affected with RYR1-related disorders in the literature. This variant has been identified in 14/231110 chromosomes in the general population by the Genome Aggregation Database (gnomAD). The available evidence is insufficient to determine the role of this variant in disease conclusively. Therefore, this variant is classified as a Variant of Uncertain Significance.

Women's Health and Genetics/Laboratory Corporation of America, LabCorp
Classification: Uncertain significance. Last evaluated: 2024-03-13. Review status: criteria provided, single submitter. Criteria: LabCorp Variant Classification Summary - May 2015. Collection method: clinical testing. Allele origin: germline.
Comment: Variant summary: RYR1 c.3104G>A (p.Arg1035Gln) results in a conservative amino acid change located in the Ryanodine receptor Ryr domain (IPR003032) of the encoded protein sequence. Four of five in-silico tools predict a damaging effect of the variant on protein function. The variant allele was found at a frequency of 6.1e-05 in 231110 control chromosomes. This frequency does not allow for any conclusion about variant significance. To our knowledge, no occurrence of c.3104G>A in individuals affected with Myopathy, RYR1-Associated and no experimental evidence demonstrating its impact on protein function have been reported. No submitters have cited clinical-significance assessments for this variant to ClinVar. Based on the evidence outlined above, the variant was classified as uncertain significance.

All of Us Research Program, National Institutes of Health
Classification: Uncertain significance for Malignant hyperthermia, susceptibility to, 1. Last evaluated: 2023-11-20. Review status: criteria provided, single submitter. Criteria: ACMG Guidelines, 2015. Collection method: clinical testing. Allele origin: germline. Inheritance: Autosomal dominant inheritance. Observed: 7 variant alleles, 7 heterozygotes.
Comment: This missense variant replaces arginine with glutamine at codon 1035 of the RYR1 protein. Computational prediction suggests that this variant may have deleterious impact on protein structure and function (internally defined REVEL score threshold >= 0.7, PMID: 27666373). To our knowledge, functional studies have not been reported for this variant. This variant has not been reported in individuals affected with RYR1-related disorders in the literature. This variant has been identified in 14/231110 chromosomes in the general population by the Genome Aggregation Database (gnomAD). The available evidence is insufficient to determine the role of this variant in disease conclusively. Therefore, this variant is classified as a Variant of Uncertain Significance.

This study involves interpretation of variants in research participants for the purpose of population health screening. Participant phenotype was not available at the time of variant classification. Additional details can be found in publication PMID: 35346344, PMCID: PMC8962531